The following is an entry in ClinVar:

ClinVar aggregate classification (germline): Uncertain significance (1 of 4 stars; one submission).

Conditions:
Peroxisome biogenesis disorder. Identifiers: Orphanet 79189, MedGen C1832200, MONDO:0019234. Disease mechanism: loss of function.

Allele frequency attached by ClinVar (database versions not stated): gnomAD exomes below 0.00001; ExAC 0.00001.
gnomAD v4.1: 1 of 1,609,398 alleles (0.000062%); highest among the groups gnomAD compares: Non-Finnish European, 0.000085%; no homozygotes.

Submission:

Labcorp Genetics (formerly Invitae), Labcorp
Classification: Uncertain significance for Peroxisome biogenesis disorder. Last evaluated: 2022-05-27. Review status: criteria provided, single submitter. Criteria: Invitae Variant Classification Sherloc (09022015). Collection method: clinical testing. Allele origin: germline.
Comment: In summary, the available evidence is currently insufficient to determine the role of this variant in disease. Therefore, it has been classified as a Variant of Uncertain Significance. Algorithms developed to predict the effect of missense changes on protein structure and function output the following: SIFT: "Tolerated"; PolyPhen-2: "Benign"; Align-GVGD: "Class C0". The arginine amino acid residue is found in multiple mammalian species, which suggests that this missense change does not adversely affect protein function. This variant has not been reported in the literature in individuals affected with PEX16-related conditions. This variant is present in population databases (rs772953974, gnomAD 0.0009%). This sequence change replaces glutamine, which is neutral and polar, with arginine, which is basic and polar, at codon 200 of the PEX16 protein (p.Gln200Arg).

NM_004813.4(PEX16):c.599A>G (p.Gln200Arg)

Gene: PEX16 (peroxisomal biogenesis factor 16; minus strand). Cytogenetic location: 11p11.2.
Variant type: single nucleotide variant.
Coding change: c.599A>G on transcript NM_004813.4 (MANE Select); coding-DNA position 599, A replaced by G.
Protein change: p.Gln200Arg; replaces glutamine 200 with arginine.
Molecular consequence: missense variant.
Genome position (GRCh38, 1-based): chr11:45,914,411, T>C on the plus strand (A>G on the coding strand, the complement: PEX16 is on the minus strand). VCF-style: chr11-45914411-T-C. GRCh37 (hg19) VCF-style: chr11-45935962-T-C.
Other names: c.599A>G, p.Gln200Arg (NM_057174.3); short protein forms Q200R.
Identifiers: ClinVar variation 1465742 (VCV001465742.8), dbSNP rs772953974, ClinGen allele CA5959909.
Genomic context (GRCh38, chr11:45,914,411, plus strand): 5'-GCGATGGTCTCCTGCAGCCCCAGGGGGGTGGGGGTCGCACTCAGCTCCTCGTGATGCTGC[T>C]GCTGCCGTCCCTCCCGCTGCTGGGGAGCTCCCCAGTGCCTGGAGTGCAGGGACGGCGCTA-3'
Protein context (NP_004804.2, residues 190-210): GAPQQREGRQ[Gln200Arg]QHHEELSATP